The following is an entry in ClinVar:

ClinVar aggregate classification (germline): other (0 of 4 stars; one submission).

Conditions:
Familial colorectal cancer. Identifiers: MedGen CN280943, MONDO:0023113. Disease mechanism: loss of function.

Submission:

Systems Biology Platform Zhejiang California International NanoSystems Institute
Classification: other for Familial colorectal cancer. Review status: no assertion criteria provided. Collection method: not provided. Allele origin: unknown.
ClinVar note: Converted during submission from cancer to other.

NM_000038.6(APC):c.1626+290G>C

Gene: APC (APC regulator of WNT signaling pathway; plus strand). Cytogenetic location: 5q22.2.
Variant type: single nucleotide variant.
Coding change: c.1626+290G>C on transcript NM_000038.6 (MANE Select); 290 bases into the intron after coding-DNA position 1626, G replaced by C.
Molecular consequence: intron variant.
Genome position (GRCh38, 1-based): chr5:112,828,296, G>C. VCF-style: chr5-112828296-G-C. GRCh37 (hg19) VCF-style: chr5-112163993-G-C.
Other names: c.1626+290G>C (NM_001354895.2, NM_001127510.3); c.1656+290G>C (NM_001354897.2); c.1353+290G>C (NM_001354902.2); c.1572+290G>C (NM_001127511.3); c.1551+290G>C (NM_001354898.2); c.1248+290G>C (NM_001354904.2); c.777+290G>C (NM_001354906.2); c.1680+290G>C (NM_001354896.2); and 5 more.
Identifiers: ClinVar variation 83161 (VCV000083161.2), dbSNP rs74587487, ClinGen allele CA005389.
Genomic context (GRCh38, chr5:112,828,296, plus strand): 5'-ACCTGGGCTCAAGCAATCTGCCCACCTCAGCATCTCAAAATGCTGGGATTACAGGCGTGT[G>C]CCACCACACCCAGCTAATATCCTGATTTAGATTGTTGCTCAGTATTTAGTATCTCATGTA-3'